The following is an entry in ClinVar:

NM_020822.3(KCNT1):c.742G>T (p.Ala248Ser)

Gene: KCNT1 (potassium sodium-activated channel subfamily T member 1; plus strand). Cytogenetic location: 9q34.3.
Variant type: single nucleotide variant.
Coding change: c.742G>T on transcript NM_020822.3 (MANE Select); coding-DNA position 742, G replaced by T.
Protein change: p.Ala248Ser; replaces alanine 248 with serine.
Molecular consequence: missense variant.
Genome position (GRCh38, 1-based): chr9:135,757,364, G>T. VCF-style: chr9-135757364-G-T. GRCh37 (hg19) VCF-style: chr9-138649210-G-T.
Other names: c.598G>T, p.Ala200Ser (NM_001272003.2); short protein forms A200S, A248S.
Identifiers: ClinVar variation 4858680 (VCV004858680.1).

ClinVar aggregate classification (germline): Uncertain significance (1 of 4 stars; one submission).

Conditions:
Inborn genetic diseases. Identifiers: MedGen C0950123, MeSH D030342.

gnomAD v4.1: 1 of 1,609,530 alleles (0.000062%); highest among the groups gnomAD compares: Admixed American, 0.0017%; no homozygotes.

Submission:

Ambry Genetics
Classification: Uncertain significance for Inborn genetic diseases. Last evaluated: 2026-04-27. Review status: criteria provided, single submitter. Criteria: Ambry Variant Classification Scheme 2023. Collection method: clinical testing. Allele origin: germline.
Comment: The c.742G>T (p.A248S) alteration is located in exon 9 (coding exon 9) of the KCNT1 gene. This alteration results from a G to T substitution at nucleotide position 742, causing the alanine (A) at amino acid position 248 to be replaced by a serine (S). Based on data from gnomAD, the T allele has an overall frequency of <0.001% (1/247526) total alleles studied. The highest observed frequency was 0.003% (1/34548) of Latino alleles. Based on insufficient or conflicting evidence, the clinical significance of this alteration remains unclear.